The following is an entry in ClinVar:

NM_052813.5(CARD9):c.760_761delinsGC (p.Lys254Ala)

Gene: CARD9 (caspase recruitment domain family member 9; minus strand). Cytogenetic location: 9q34.3.
Variant type: Indel.
Coding change: c.760_761delinsGC on transcript NM_052813.5 (MANE Select); coding-DNA positions 760 to 761, AA replaced by GC.
Protein change: p.Lys254Ala; replaces lysine 254 with alanine.
Molecular consequence: missense variant.
Genome position (GRCh38, 1-based): chr9:136,370,568-136,370,569, TT replaced by GC on the plus strand (AA replaced by GC on the coding strand, the reverse complement: CARD9 is on the minus strand). VCF-style: chr9-136370568-TT-GC. GRCh37 (hg19) VCF-style: chr9-139265020-TT-GC.
Other names: c.760_761delinsGC, p.Lys254Ala (NM_052814.4); short protein forms K254A.
Identifiers: ClinVar variation 861829 (VCV000861829.8), dbSNP rs1833240171, ClinGen allele CA916080416.

ClinVar aggregate classification (germline): Uncertain significance (1 of 4 stars; one submission).

Conditions:
Predisposition to invasive fungal disease due to CARD9 deficiency (IMD103). Also called: CARD9 IMMUNODEFICIENCY; Candidiasis, familial, 2, autosomal recessive; IMMUNODEFICIENCY 103, SUSCEPTIBILITY TO FUNGAL INFECTIONS. Identifiers: Orphanet 457088, MedGen C1859353, MONDO:0008905, OMIM 212050.

Submission:

Labcorp Genetics (formerly Invitae), Labcorp
Classification: Uncertain significance for Predisposition to invasive fungal disease due to CARD9 deficiency. Last evaluated: 2024-10-21. Review status: criteria provided, single submitter. Criteria: Invitae Variant Classification Sherloc (09022015). Collection method: clinical testing. Allele origin: germline.
Comment: This sequence change replaces lysine, which is basic and polar, with alanine, which is neutral and non-polar, at codon 254 of the CARD9 protein (p.Lys254Ala). Information on the frequency of this variant in the gnomAD database is not available, as this variant may be reported differently in the database. This variant has not been reported in the literature in individuals affected with CARD9-related conditions. ClinVar contains an entry for this variant (Variation ID: 861829). An algorithm developed to predict the effect of missense changes on protein structure and function (PolyPhen-2) suggests that this variant is likely to be tolerated. In summary, the available evidence is currently insufficient to determine the role of this variant in disease. Therefore, it has been classified as a Variant of Uncertain Significance.